The following is an entry in ClinVar:

NM_001374736.1(DST):c.16233G>C (p.Val5411=)

Gene: DST (dystonin; minus strand). Cytogenetic location: 6p12.1.
Variant type: single nucleotide variant.
Coding change: c.16233G>C on transcript NM_001374736.1 (MANE Select); coding-DNA position 16233, G replaced by C.
Protein change: p.Val5411=; no amino-acid change (valine 5411 retained).
Molecular consequence: synonymous variant.
Genome position (GRCh38, 1-based): chr6:56,552,559, C>G on the plus strand (G>C on the coding strand, the complement: DST is on the minus strand). VCF-style: chr6-56552559-C-G. GRCh37 (hg19) VCF-style: chr6-56417357-C-G.
Other names: c.9876G>C, p.Val3292= (NM_001144769.5); c.9462G>C, p.Val3154= (NM_001144770.2); c.16233G>C, p.Val5411= (NM_001374722.1); c.15600G>C, p.Val5200= (NM_001374729.1); c.9342G>C, p.Val3114= (NM_001374730.1, NM_001386100.1, NM_183380.4); c.16260G>C, p.Val5420= (NM_001374734.1); c.8364G>C, p.Val2788= (NM_015548.5); c.9876G>C (NM_001144769.2).
Identifiers: ClinVar variation 1143686 (VCV001143686.34), dbSNP rs201830030, ClinGen allele CA3867708.

ClinVar aggregate classification (germline): Likely benign. Review status: criteria provided, multiple submitters, no conflicts (2 of 4 stars). 3 submissions from 3 submitters: Likely benign (3). Last evaluated 2026-07-13.

Conditions:
DST-related disorder. Also called: DST-related condition; DST-related disorders.
Hereditary sensory and autonomic neuropathy type 6. Also called: HSAN VI; Neuropathy, hereditary sensory and autonomic, type VI. Identifiers: Orphanet 314381, MedGen C3539003, MONDO:0013839, OMIM 614653.
Epidermolysis bullosa simplex 3, localized or generalized intermediate, with BP230 deficiency (EBS3). Also called: Epidermolysis bullosa simplex due to BP230 deficiency; Epidermolysis bullosa simplex, autosomal recessive 2. Identifiers: Orphanet 412181, MedGen C3809470, MONDO:0014180, OMIM 615425.

Allele frequency attached by ClinVar (database versions not stated): TOPMed 0.00001; ExAC 0.00002; gnomAD exomes 0.00009 and 0.00002; gnomAD 0.00003.

Submissions (3):

PreventionGenetics, part of Exact Sciences
Classification: Likely benign for DST-related condition. Last evaluated: 2026-07-13. Review status: criteria provided, single submitter. Criteria: ACMG Guidelines, 2015. Collection method: clinical testing. Allele origin: germline.
Comment: This variant is classified as likely benign based on ACMG/AMP sequence variant interpretation guidelines (Richards et al. 2015 PMID: 25741868, with internal and published modifications).

Labcorp Genetics (formerly Invitae), Labcorp
Classification: Likely benign for Epidermolysis bullosa simplex 3, localized or generalized intermediate, with BP230 deficiency; Hereditary sensory and autonomic neuropathy type 6. Last evaluated: 2025-12-23. Review status: criteria provided, single submitter. Criteria: Invitae Variant Classification Sherloc (09022015). Collection method: clinical testing. Allele origin: germline.

CeGaT Center for Human Genetics Tuebingen
Classification: Likely benign. Last evaluated: 2025-01-01. Review status: criteria provided, single submitter. Criteria: CeGaT Center For Human Genetics Tuebingen Variant Classification Criteria Version 2. Collection method: clinical testing. Allele origin: germline. Affected: yes. Observed: 2 variant alleles.
Comment: DST: BP4, BP7